The following is an entry in ClinVar:

NM_005993.5(TBCD):c.1504C>T (p.Arg502Ter)

Gene: TBCD (tubulin folding cofactor D). Cytogenetic location: 17q25.3.
Variant type: single nucleotide variant.
Coding change: c.1504C>T on transcript NM_005993.5 (MANE Select); coding-DNA position 1504, C replaced by T.
Protein change: p.Arg502Ter; replaces arginine 502 with a stop codon.
Molecular consequence: nonsense.
Genome position (GRCh38, 1-based): chr17:82,884,173, C>T. VCF-style: chr17-82884173-C-T. GRCh37 (hg19) VCF-style: chr17-80842049-C-T.
Other names: c.1453C>T, p.Arg485Ter (NM_001411101.1); c.1504C>T, p.Arg502Ter (NM_001411102.1); short protein forms R485*, R502*.
Identifiers: ClinVar variation 2806873 (VCV002806873.3), dbSNP rs752953575, ClinGen allele CA8862603.

ClinVar aggregate classification (germline): Pathogenic (1 of 4 stars; one submission).

Allele frequency attached by ClinVar (database versions not stated): ExAC 0.00004.
gnomAD v4.1: 5 of 1,610,562 alleles (0.00031%); highest among the groups gnomAD compares: South Asian, 0.0011%; no homozygotes.

Submission:

Labcorp Genetics (formerly Invitae), Labcorp
Classification: Pathogenic. Last evaluated: 2024-01-04. Review status: criteria provided, single submitter. Criteria: Invitae Variant Classification Sherloc (09022015). Collection method: clinical testing. Allele origin: germline.
Comment: This sequence change creates a premature translational stop signal (p.Arg502*) in the TBCD gene. It is expected to result in an absent or disrupted protein product. Loss-of-function variants in TBCD are known to be pathogenic (PMID: 27666370, 27666374). The frequency data for this variant in the population databases is considered unreliable, as metrics indicate poor data quality at this position in the gnomAD database. This variant has not been reported in the literature in individuals affected with TBCD-related conditions. For these reasons, this variant has been classified as Pathogenic.

Literature cited by the submitters: PubMed 27666370; PubMed 27666374.